The following is an entry in ClinVar:

NM_000135.4(FANCA):c.1900+6T>C

Gene: FANCA (FA complementation group A; minus strand). Cytogenetic location: 16q24.3.
Variant type: single nucleotide variant.
Coding change: c.1900+6T>C on transcript NM_000135.4 (MANE Select); 6 bases into the intron after coding-DNA position 1900, T replaced by C.
Molecular consequence: intron variant.
Genome position (GRCh38, 1-based): chr16:89,775,736, A>G on the plus strand (T>C on the coding strand, the complement: FANCA is on the minus strand). VCF-style: chr16-89775736-A-G. GRCh37 (hg19) VCF-style: chr16-89842144-A-G.
Other names: c.1900+6T>C (NM_001286167.3, NM_000135.3).
Identifiers: ClinVar variation 2088529 (VCV002088529.3), dbSNP rs2544213676, ClinGen allele CA2580092396.

ClinVar aggregate classification (germline): Uncertain significance. Review status: criteria provided, single submitter (1 of 4 stars). 2 submissions from 2 submitters: Uncertain significance (1). 1 of the submissions does not count toward it. Last evaluated 2022-01-21.

Conditions:
Fanconi anemia (FA). Also called: Fanconi's anemia. Identifiers: Orphanet 84, MedGen C0015625, MeSH D005199, MONDO:0019391.

Submissions (2):

Labcorp Genetics (formerly Invitae), Labcorp
Classification: Uncertain significance for Fanconi anemia. Last evaluated: 2022-01-21. Review status: criteria provided, single submitter. Criteria: Invitae Variant Classification Sherloc (09022015). Collection method: clinical testing. Allele origin: germline.
Comment: This variant has not been reported in the literature in individuals affected with FANCA-related conditions. This variant is not present in population databases (gnomAD no frequency). This sequence change falls in intron 21 of the FANCA gene. It does not directly change the encoded amino acid sequence of the FANCA protein. It affects a nucleotide within the consensus splice site. Variants that disrupt the consensus splice site are a relatively common cause of aberrant splicing (PMID: 17576681, 9536098). Algorithms developed to predict the effect of sequence changes on RNA splicing suggest that this variant is not likely to affect RNA splicing. In summary, the available evidence is currently insufficient to determine the role of this variant in disease. Therefore, it has been classified as a Variant of Uncertain Significance.

Natera, Inc.
Classification: Uncertain significance for Fanconi anemia. Last evaluated: 2025-02-09. Review status: no assertion criteria provided. Collection method: clinical testing. Allele origin: germline. Not counted in ClinVar's aggregate classification.

Literature cited by the submitters: PubMed 17576681 (cited by Labcorp Genetics (formerly Invitae), Labcorp); PubMed 9536098 (cited by Labcorp Genetics (formerly Invitae), Labcorp).